The following is an entry in ClinVar:

ClinVar aggregate classification (germline): Uncertain significance. Review status: criteria provided, multiple submitters, no conflicts (2 of 4 stars). 2 submissions from 2 submitters: Uncertain significance (2). Last evaluated 2024-08-30.

Conditions:
Hereditary pheochromocytoma and paraganglioma. Also called: Hereditary paragangliomas and pheochromocytomas; Hereditary pheochromocytoma-paraganglioma; Hereditary Paraganglioma-Pheochromocytoma Syndromes. Identifiers: Orphanet 29072, MedGen C4274332, MONDO:0017366.
Hereditary cancer-predisposing syndrome. Also called: Tumor predisposition; Hereditary Cancer Syndrome; Hereditary neoplastic syndrome; Neoplastic Syndromes, Hereditary. Identifiers: Orphanet 140162, MedGen C0027672, MeSH D009386, MONDO:0015356.

Allele frequency attached by ClinVar (database versions not stated): gnomAD exomes below 0.00001.
gnomAD v4.1: 5 of 1,614,186 alleles (0.00031%); highest among the groups gnomAD compares: Non-Finnish European, 0.00042%; no homozygotes.

Submissions (2):

Labcorp Genetics (formerly Invitae), Labcorp
Classification: Uncertain significance for Hereditary pheochromocytoma and paraganglioma. Last evaluated: 2024-08-30. Review status: criteria provided, single submitter. Criteria: Invitae Variant Classification Sherloc (09022015). Collection method: clinical testing. Allele origin: germline.
Comment: This sequence change replaces leucine, which is neutral and non-polar, with proline, which is neutral and non-polar, at codon 12 of the SDHAF2 protein (p.Leu12Pro). This variant is not present in population databases (gnomAD no frequency). This variant has not been reported in the literature in individuals affected with SDHAF2-related conditions. ClinVar contains an entry for this variant (Variation ID: 665787). An algorithm developed to predict the effect of missense changes on protein structure and function (PolyPhen-2) suggests that this variant is likely to be tolerated. In summary, the available evidence is currently insufficient to determine the role of this variant in disease. Therefore, it has been classified as a Variant of Uncertain Significance.

Ambry Genetics
Classification: Uncertain significance for Hereditary cancer-predisposing syndrome. Last evaluated: 2024-01-04. Review status: criteria provided, single submitter. Criteria: Ambry Variant Classification Scheme 2023. Collection method: clinical testing. Allele origin: germline.
Comment: The p.L12P variant (also known as c.35T>C), located in coding exon 1 of the SDHAF2 gene, results from a T to C substitution at nucleotide position 35. The leucine at codon 12 is replaced by proline, an amino acid with similar properties. This amino acid position is well conserved in available vertebrate species. In addition, this alteration is predicted to be tolerated by in silico analysis. Since supporting evidence is limited at this time, the clinical significance of this alteration remains unclear.

NM_017841.4(SDHAF2):c.35T>C (p.Leu12Pro)

Gene: SDHAF2 (succinate dehydrogenase complex assembly factor 2; plus strand). Cytogenetic location: 11q12.2.
Variant type: single nucleotide variant.
Coding change: c.35T>C on transcript NM_017841.4 (MANE Select); coding-DNA position 35, T replaced by C.
Protein change: p.Leu12Pro; replaces leucine 12 with proline.
Molecular consequence: missense variant.
Genome position (GRCh38, 1-based): chr11:61,430,181, T>C. VCF-style: chr11-61430181-T-C. GRCh37 (hg19) VCF-style: chr11-61197653-T-C.
Other names: short protein forms L12P.
Identifiers: ClinVar variation 665787 (VCV000665787.9), dbSNP rs1590759677, ClinGen allele CA380680221.